The following is an entry in ClinVar:

ClinVar aggregate classification (germline): Uncertain significance. Review status: criteria provided, multiple submitters, no conflicts (2 of 4 stars). 2 submissions from 2 submitters: Uncertain significance (2). Last evaluated 2024-12-10.

Conditions:
Inborn genetic diseases. Identifiers: MedGen C0950123, MeSH D030342.

Allele frequency attached by ClinVar (database versions not stated): gnomAD exomes below 0.00001; ExAC 0.00001; ESP Exome Variant Server 0.00008.
gnomAD v4.1: 2 of 1,558,270 alleles (0.00013%); highest among the groups gnomAD compares: Non-Finnish European, 0.00017%; no homozygotes.

Submissions (2):

Ambry Genetics
Classification: Uncertain significance for Inborn genetic diseases. Last evaluated: 2024-12-10. Review status: criteria provided, single submitter. Criteria: Ambry Variant Classification Scheme 2023. Collection method: clinical testing. Allele origin: germline.

Labcorp Genetics (formerly Invitae), Labcorp
Classification: Uncertain significance. Last evaluated: 2021-12-21. Review status: criteria provided, single submitter. Criteria: Invitae Variant Classification Sherloc (09022015). Collection method: clinical testing. Allele origin: germline.
Comment: This sequence change replaces valine, which is neutral and non-polar, with methionine, which is neutral and non-polar, at codon 100 of the CD55 protein (p.Val100Met). This variant is present in population databases (rs376448628, gnomAD 0.001%). This variant has not been reported in the literature in individuals affected with CD55-related conditions. Algorithms developed to predict the effect of missense changes on protein structure and function are either unavailable or do not agree on the potential impact of this missense change (SIFT: "Tolerated"; PolyPhen-2: "Possibly Damaging"; Align-GVGD: "Class C0"). In summary, the available evidence is currently insufficient to determine the role of this variant in disease. Therefore, it has been classified as a Variant of Uncertain Significance.

NM_000574.5(CD55):c.298G>A (p.Val100Met)

Gene: CD55 (CD55 molecule (Cromer blood group); plus strand). Cytogenetic location: 1q32.2.
Variant type: single nucleotide variant.
Coding change: c.298G>A on transcript NM_000574.5 (MANE Select); coding-DNA position 298, G replaced by A.
Protein change: p.Val100Met; replaces valine 100 with methionine.
Molecular consequence: missense variant. On other transcripts: non-coding transcript variant (1).
Genome position (GRCh38, 1-based): chr1:207,324,570, G>A. VCF-style: chr1-207324570-G-A. GRCh37 (hg19) VCF-style: chr1-207497915-G-A.
Other names: c.298G>A, p.Val100Met (NM_001114752.3, NM_001300902.2, NM_001300903.2 and 1 more transcripts); short protein forms V100M.
Identifiers: ClinVar variation 2052037 (VCV002052037.2), dbSNP rs376448628, ClinGen allele CA1367959.
Genomic context (GRCh38, chr1:207,324,570, plus strand): 5'-CAAAAATTGATACTACATTTTTTGTTGCTGCTTTTGTTAATACTTTTAGGTAGCTGCGAG[G>A]TGCCAACAAGGCTAAATTCTGCATCCCTCAAACAGCCTTATATCACTCAGAATTATTTTC-3'
Protein context (NP_000565.1, residues 90-110): IEEFCNRSCE[Val100Met]PTRLNSASLK